The following is an entry in ClinVar:

NM_032808.7(LINGO1):c.1557C>T (p.Pro519=)

Gene: LINGO1 (leucine rich repeat and Ig domain containing 1; minus strand). Cytogenetic location: 15q24.3.
Variant type: single nucleotide variant.
Coding change: c.1557C>T on transcript NM_032808.7 (MANE Select); coding-DNA position 1557, C replaced by T.
Protein change: p.Pro519=; no amino-acid change (proline 519 retained).
Molecular consequence: synonymous variant.
Genome position (GRCh38, 1-based): chr15:77,614,350, G>A on the plus strand (C>T on the coding strand, the complement: LINGO1 is on the minus strand). VCF-style: chr15-77614350-G-A. GRCh37 (hg19) VCF-style: chr15-77906692-G-A.
Other names: c.1539C>T, p.Pro513= (NM_001301186.2, NM_001301187.2, NM_001301189.2 and 8 more transcripts).
Identifiers: ClinVar variation 776935 (VCV000776935.30), dbSNP rs61737307, ClinGen allele CA7677751.

ClinVar aggregate classification (germline): Benign/Likely benign. Review status: criteria provided, multiple submitters, no conflicts (2 of 4 stars). 4 submissions from 4 submitters: Benign (1); Likely benign (2). 1 of the submissions does not count toward it. Last evaluated 2025-12-01.

Conditions:
LINGO1-related disorder. Also called: LINGO1-related condition.

Allele frequency attached by ClinVar (database versions not stated): gnomAD exomes 0.00037 and 0.00085; ExAC 0.00101; gnomAD 0.00305 and 0.00326; ESP Exome Variant Server 0.00323; TOPMed 0.00352; 1000 Genomes Project 0.00619; 1000 Genomes Project 30x 0.00656.
gnomAD v4.1: 1,018 of 1,613,882 alleles (0.063%); highest among the groups gnomAD compares: African/African-American, 1.2%; 3 homozygotes.

Submissions (4):

CeGaT Center for Human Genetics Tuebingen
Classification: Likely benign. Last evaluated: 2025-12-01. Review status: criteria provided, single submitter. Criteria: CeGaT Center For Human Genetics Tuebingen Variant Classification Criteria Version 2. Collection method: clinical testing. Allele origin: germline. Affected: yes. Observed: 5 variant alleles.
Comment: LINGO1: BP4, BP7, BS1

Blueprint Genetics
Classification: Likely benign. Last evaluated: 2024-09-02. Review status: criteria provided, single submitter. Criteria: ACMG Guidelines, 2015. Collection method: clinical testing. Allele origin: germline.

Labcorp Genetics (formerly Invitae), Labcorp
Classification: Benign. Last evaluated: 2019-12-31. Review status: criteria provided, single submitter. Criteria: Invitae Variant Classification Sherloc (09022015). Collection method: clinical testing. Allele origin: germline.

PreventionGenetics, part of Exact Sciences
Classification: Benign for LINGO1-related condition. Last evaluated: 2019-02-26. Review status: no assertion criteria provided. Collection method: clinical testing. Allele origin: germline. Not counted in ClinVar's aggregate classification.
Comment: This variant is classified as benign based on ACMG/AMP sequence variant interpretation guidelines (Richards et al. 2015 PMID: 25741868, with internal and published modifications).